The following is an entry in ClinVar:

NM_182961.4(SYNE1):c.15917+184G>A

Gene: SYNE1 (spectrin repeat containing nuclear envelope protein 1; minus strand). Cytogenetic location: 6q25.2.
Variant type: single nucleotide variant.
Coding change: c.15917+184G>A on transcript NM_182961.4 (MANE Select); 184 bases into the intron after coding-DNA position 15917, G replaced by A.
Molecular consequence: intron variant.
Genome position (GRCh38, 1-based): chr6:152,323,294, C>T on the plus strand (G>A on the coding strand, the complement: SYNE1 is on the minus strand). VCF-style: chr6-152323294-C-T. GRCh37 (hg19) VCF-style: chr6-152644429-C-T.
Other names: c.15704+184G>A (NM_033071.5).
Identifiers: ClinVar variation 675421 (VCV000675421.1), dbSNP rs144300359, ClinGen allele CA150215891.

ClinVar aggregate classification (germline): Likely benign (1 of 4 stars; one submission).

Allele frequency attached by ClinVar (database versions not stated): gnomAD 0.03441 and 0.03573; TOPMed 0.03659; 1000 Genomes Project 30x 0.05153; 1000 Genomes Project 0.05611.
gnomAD v4.1: 5,401 of 152,148 alleles (3.5%); highest among the groups gnomAD compares: East Asian, 15%; 144 homozygotes.

Submission:

GeneDx
Classification: Likely benign. Last evaluated: 2018-06-14. Review status: criteria provided, single submitter. Criteria: GeneDx Variant Classification (06012015). Collection method: clinical testing. Allele origin: germline. Affected: yes.
Comment: This variant is considered likely benign or benign based on one or more of the following criteria: it is a conservative change, it occurs at a poorly conserved position in the protein, it is predicted to be benign by multiple in silico algorithms, and/or has population frequency not consistent with disease.